The following is an entry in ClinVar:

ClinVar aggregate classification (germline): Conflicting classifications of pathogenicity. Review status: criteria provided, conflicting classifications (1 of 4 stars). 2 submissions from 2 submitters: Uncertain significance (1); Likely benign (1). Last evaluated 2021-06-24.

Conditions:
Charcot-Marie-Tooth disease type 2. Also called: Charcot-Marie-Tooth type 2. Identifiers: Orphanet 64746, MedGen C0270914, MONDO:0018993.
Inborn genetic diseases. Identifiers: MedGen C0950123, MeSH D030342.

Submissions (2):

Labcorp Genetics (formerly Invitae), Labcorp
Classification: Likely benign for Charcot-Marie-Tooth disease type 2. Last evaluated: 2021-06-24. Review status: criteria provided, single submitter. Criteria: Invitae Variant Classification Sherloc (09022015). Collection method: clinical testing. Allele origin: germline.

Ambry Genetics
Classification: Uncertain significance for Inborn genetic diseases. Last evaluated: 2021-06-11. Review status: criteria provided, single submitter. Criteria: Ambry Variant Classification Scheme 2023. Collection method: clinical testing. Allele origin: germline.
Comment: The c.439-6C>G intronic variant results from a C to G substitution 6 nucleotides upstream from coding exon 4 in the BSCL2 gene. This nucleotide position is poorly conserved in available vertebrate species. In silico splice site analysis predicts that this alteration will not have any significant effect on splicing. Since supporting evidence is limited at this time, the clinical significance of this alteration remains unclear.

NM_001122955.4(BSCL2):c.631-6C>G

Genes: BSCL2 (BSCL2 lipid droplet biogenesis associated, seipin; minus strand), HNRNPUL2-BSCL2 (HNRNPUL2-BSCL2 readthrough (NMD candidate); minus strand). Cytogenetic location: 11q12.3.
Variant type: single nucleotide variant.
Coding change: c.631-6C>G on transcript NM_001122955.4 (MANE Select); 6 bases into the intron before coding-DNA position 631, C replaced by G.
Molecular consequence: intron variant.
Genome position (GRCh38, 1-based): chr11:62,692,803, G>C on the plus strand (C>G on the coding strand, the complement: BSCL2 is on the minus strand). VCF-style: chr11-62692803-G-C. GRCh37 (hg19) VCF-style: chr11-62460275-G-C.
Other names: c.439-6C>G (NM_001130702.2, NM_032667.6); c.631-6C>G (NM_001386028.1, NM_001386027.1).
Identifiers: ClinVar variation 1640493 (VCV001640493.10), dbSNP rs768294248, ClinGen allele CA2573147375.